The following is an entry in ClinVar:

NM_000098.3(CPT2):c.226C>T (p.Gln76Ter)

Gene: CPT2 (carnitine palmitoyltransferase 2; plus strand). Cytogenetic location: 1p32.3.
Variant type: single nucleotide variant.
Coding change: c.226C>T on transcript NM_000098.3 (MANE Select); coding-DNA position 226, C replaced by T.
Protein change: p.Gln76Ter; replaces glutamine 76 with a stop codon.
Molecular consequence: nonsense.
Genome position (GRCh38, 1-based): chr1:53,200,792, C>T. VCF-style: chr1-53200792-C-T. GRCh37 (hg19) VCF-style: chr1-53666464-C-T.
Other names: c.226C>T, p.Gln76Ter (NM_001330589.2); short protein forms Q76*.
Identifiers: ClinVar variation 5012874 (VCV005012874.1).

ClinVar aggregate classification (germline): Pathogenic (1 of 4 stars; one submission).

Conditions:
Carnitine palmitoyltransferase II deficiency. Also called: Carnitine Palmitoyltransferase 2 Deficiency. Identifiers: Orphanet 157, MedGen C0342790, MONDO:0015515.

Submission:

Myriad Genetics, Inc.
Classification: Pathogenic for Carnitine palmitoyltransferase II deficiency. Last evaluated: 2024-03-29. Review status: criteria provided, single submitter. Criteria: Myriad Autosomal Dominant, Autosomal Recessive and X-Linked Classification Criteria (2023). Collection method: clinical testing. Allele origin: unknown.
Comment: NM_000098.2(CPT2):c.226C>T(Q76*) is expected to be pathogenic in the context of carnitine palmitoyltransferase II deficiency. This variant is predicted to lead to an abnormal or absent protein product due to the creation of a premature termination codon in CPT2, a gene where loss-of-function variants are known to be pathogenic. Please note: this variant was assessed in the context of healthy population screening.